The following is an entry in ClinVar:

ClinVar aggregate classification (germline): Uncertain significance (1 of 4 stars; one submission).

Allele frequency attached by ClinVar (database versions not stated): gnomAD exomes below 0.00001 and 0.00001; ExAC 0.00001; TOPMed 0.00001; gnomAD 0.00002; ESP Exome Variant Server 0.00008.
gnomAD v4.1: 11 of 1,614,012 alleles (0.00068%); highest among the groups gnomAD compares: Non-Finnish European, 0.00093%; no homozygotes.

Submission:

Labcorp Genetics (formerly Invitae), Labcorp
Classification: Uncertain significance. Last evaluated: 2025-11-04. Review status: criteria provided, single submitter. Criteria: Invitae Variant Classification Sherloc (09022015). Collection method: clinical testing. Allele origin: germline.
Comment: This sequence change replaces aspartic acid, which is acidic and polar, with alanine, which is neutral and non-polar, at codon 816 of the ARHGEF1 protein (p.Asp816Ala). This variant is present in population databases (rs374563734, gnomAD 0.002%). This variant has not been reported in the literature in individuals affected with ARHGEF1-related conditions. ClinVar contains an entry for this variant (Variation ID: 1377176). An algorithm developed to predict the effect of missense changes on protein structure and function (PolyPhen-2) suggests that this variant is likely to be disruptive. In summary, the available evidence is currently insufficient to determine the role of this variant in disease. Therefore, it has been classified as a Variant of Uncertain Significance.

NM_004706.4(ARHGEF1):c.2402A>C (p.Asp801Ala)

Gene: ARHGEF1 (Rho guanine nucleotide exchange factor 1; plus strand). Cytogenetic location: 19q13.2.
Variant type: single nucleotide variant.
Coding change: c.2402A>C on transcript NM_004706.4 (MANE Select); coding-DNA position 2402, A replaced by C.
Protein change: p.Asp801Ala; replaces aspartic acid 801 with alanine.
Molecular consequence: missense variant.
Genome position (GRCh38, 1-based): chr19:41,905,825, A>C. VCF-style: chr19-41905825-A-C. GRCh37 (hg19) VCF-style: chr19-42409977-A-C.
Other names: c.2303A>C, p.Asp768Ala (NM_198977.2); c.2447A>C, p.Asp816Ala (NM_199002.2); short protein forms D816A, D768A, D801A.
Identifiers: ClinVar variation 1377176 (VCV001377176.8), dbSNP rs374563734, ClinGen allele CA9466699.